The following is an entry in ClinVar:

ClinVar aggregate classification (germline): Uncertain significance (1 of 4 stars; one submission).

Conditions:
Growth hormone insensitivity with immune dysregulation 1, autosomal recessive. Also called: GROWTH HORMONE INSENSITIVITY SYNDROME WITH IMMUNE DYSREGULATION 1, AUTOSOMAL RECESSIVE; Laron syndrome with immunodeficiency; GROWTH HORMONE INSENSITIVITY DUE TO POSTRECEPTOR DEFECT; LARON SYNDROME DUE TO POSTRECEPTOR DEFECT. Identifiers: Orphanet 220465, MedGen C5435698, MONDO:0100211, OMIM 245590.
Growth hormone insensitivity syndrome with immune dysregulation 2, autosomal dominant. Identifiers: MedGen C5436546, MONDO:0100219, OMIM 618985.

Allele frequency attached by ClinVar (database versions not stated): gnomAD exomes 0.00002; gnomAD 0.00003; TOPMed 0.00003; ESP Exome Variant Server 0.00008; ExAC 0.00009.
gnomAD v4.1: 45 of 1,613,616 alleles (0.0028%); highest among the groups gnomAD compares: East Asian, 0.011%; no homozygotes.

Submission:

Center for Genomics, Ann and Robert H. Lurie Children's Hospital of Chicago
Classification: Uncertain significance for Growth hormone insensitivity with immune dysregulation 1, autosomal recessive; Growth hormone insensitivity syndrome with immune dysregulation 2, autosomal dominant. Review status: criteria provided, single submitter. Criteria: ACMG Guidelines, 2015. Collection method: clinical testing. Allele origin: germline.
Comment: STAT5B NM_012448.3 exon 8 p.Gln288Leu (c.863A>T): This variant has not been reported in the literature but is present in 0.1% (11/10070) of Ashkenazi Jewish alleles in the Genome Aggregation Database. Evolutionary conservation suggests that this variant may impact the protein; computational predictive tools for this variant are unclear. In summary, data on this variant is insufficient for disease classification. Therefore, the clinical significance of this variant is uncertain.

NM_012448.4(STAT5B):c.863A>T (p.Gln288Leu)

Gene: STAT5B (signal transducer and activator of transcription 5B; minus strand). Cytogenetic location: 17q21.2.
Variant type: single nucleotide variant.
Coding change: c.863A>T on transcript NM_012448.4 (MANE Select); coding-DNA position 863, A replaced by T.
Protein change: p.Gln288Leu; replaces glutamine 288 with leucine.
Molecular consequence: missense variant.
Genome position (GRCh38, 1-based): chr17:42,218,849, T>A on the plus strand (A>T on the coding strand, the complement: STAT5B is on the minus strand). VCF-style: chr17-42218849-T-A. GRCh37 (hg19) VCF-style: chr17-40370867-T-A.
Other names: short protein forms Q288L.
Identifiers: ClinVar variation 2501759 (VCV002501759.2), dbSNP rs375808218, ClinGen allele CA8574170.